The following is an entry in ClinVar:

ClinVar aggregate classification (germline): Uncertain significance (1 of 4 stars; one submission).

gnomAD v4.1: 3 of 1,605,098 alleles (0.00019%); highest among the groups gnomAD compares: Non-Finnish European, 0.00026%; no homozygotes.

Submission:

GeneDx
Classification: Uncertain significance. Last evaluated: 2022-06-23. Review status: criteria provided, single submitter. Criteria: GeneDx Variant Classification Process June 2021. Collection method: clinical testing. Allele origin: germline. Affected: yes.
Comment: Not observed at significant frequency in large population cohorts (gnomAD); In silico analysis supports that this missense variant does not alter protein structure/function; Has not been previously published as pathogenic or benign to our knowledge

NM_139215.3(TAF15):c.1331G>A (p.Gly444Asp)

Gene: TAF15 (TATA-box binding protein associated factor 15; plus strand). Cytogenetic location: 17q12.
Variant type: single nucleotide variant.
Coding change: c.1331G>A on transcript NM_139215.3 (MANE Select); coding-DNA position 1331, G replaced by A.
Protein change: p.Gly444Asp; replaces glycine 444 with aspartic acid.
Molecular consequence: missense variant.
Genome position (GRCh38, 1-based): chr17:35,844,630, G>A. VCF-style: chr17-35844630-G-A. GRCh37 (hg19) VCF-style: chr17-34171634-G-A.
Other names: c.1322G>A, p.Gly441Asp (NM_003487.4); short protein forms G441D, G444D.
Identifiers: ClinVar variation 1806689 (VCV001806689.1), dbSNP rs1468873515, ClinGen allele CA399223770.